The following is an entry in ClinVar:

ClinVar aggregate classification (germline): Likely pathogenic (1 of 4 stars; one submission).

Submission:

GeneDx
Classification: Likely pathogenic. Last evaluated: 2023-09-20. Review status: criteria provided, single submitter. Criteria: GeneDx Variant Classification Process June 2021. Collection method: clinical testing. Allele origin: germline. Affected: yes.
Comment: Not observed at significant frequency in large population cohorts (gnomAD); In silico analysis supports that this missense variant has a deleterious effect on protein structure/function; This variant is associated with the following publications: (PMID: 26633542)

NM_005629.4(SLC6A8):c.924T>A (p.Asp308Glu)

Gene: SLC6A8 (solute carrier family 6 member 8; plus strand). Cytogenetic location: Xq28.
Variant type: single nucleotide variant.
Coding change: c.924T>A on transcript NM_005629.4 (MANE Select); coding-DNA position 924, T replaced by A.
Protein change: p.Asp308Glu; replaces aspartic acid 308 with glutamic acid.
Molecular consequence: missense variant.
Genome position (GRCh38, 1-based): chrX:153,693,274, T>A. VCF-style: chrX-153693274-T-A. GRCh37 (hg19) VCF-style: chrX-152958729-T-A.
Other names: c.924T>A, p.Asp308Glu (NM_001142805.2); c.579T>A, p.Asp193Glu (NM_001142806.1); short protein forms D193E, D308E.
Identifiers: ClinVar variation 2580771 (VCV002580771.1), dbSNP rs2522162570, ClinGen allele CA415084439.
Genomic context (GRCh38, chrX:153,693,274, plus strand): 5'-GGGGAGCCCTGCAGGCCCCTCATGCCTGCGCTCTCCGGCCCTTCTCTAGGTGTGGATAGA[T>A]GCGGGGACCCAGATTTTCTTTTCTTACGCCATTGGCCTGGGGGCCCTCACAGCCCTGGGC-3'
Protein context (NP_005620.1, residues 298-318): SKLGSPQVWI[Asp308Glu]AGTQIFFSYA